The following is an entry in ClinVar:

ClinVar aggregate classification (germline): Conflicting classifications of pathogenicity. Review status: criteria provided, conflicting classifications (1 of 4 stars). 2 submissions from 2 submitters: Pathogenic (1); Uncertain significance (1). Last evaluated 2025-08-29.

Conditions:
Immunodeficiency 86 (IMD86). Also called: Immunodeficiency 86, mycobacteriosis; Immunodeficiency 86, mycobacteriosis, autosomal recessive. Identifiers: MedGen C5561995, MONDO:0030448, OMIM 619549.

Allele frequency attached by ClinVar (database versions not stated): gnomAD exomes below 0.00001; TOPMed below 0.00001.
gnomAD v4.1: 2 of 1,612,042 alleles (0.00012%); highest among the groups gnomAD compares: Non-Finnish European, 0.000085%; no homozygotes.

Submissions (2):

Laboratorio de Genetica e Diagnostico Molecular, Hospital Israelita Albert Einstein
Classification: Pathogenic for Immunodeficiency 86. Last evaluated: 2025-08-29. Review status: criteria provided, single submitter. Criteria: ACMG Guidelines, 2015. Collection method: clinical testing. Allele origin: germline. Affected: yes.
Comment: ACMG classification criteria: PVS1 very strong, PM2 supporting, PM3 supporting

Labcorp Genetics (formerly Invitae), Labcorp
Classification: Uncertain significance. Last evaluated: 2022-05-31. Review status: criteria provided, single submitter. Criteria: Invitae Variant Classification Sherloc (09022015). Collection method: clinical testing. Allele origin: germline.
Comment: In summary, the available evidence is currently insufficient to determine the role of this variant in disease. Therefore, it has been classified as a Variant of Uncertain Significance. Algorithms developed to predict the effect of sequence changes on RNA splicing suggest that this variant may disrupt the consensus splice site. This variant has not been reported in the literature in individuals affected with SPPL2A-related conditions. This variant is not present in population databases (gnomAD no frequency). This sequence change creates a premature translational stop signal (p.Trp92*) in the SPPL2A gene. It is expected to result in an absent or disrupted protein product. However, the current clinical and genetic evidence is not sufficient to establish whether loss-of-function variants in SPPL2A cause disease.

NM_032802.4(SPPL2A):c.275G>A (p.Trp92Ter)

Gene: SPPL2A (signal peptide peptidase like 2A; minus strand). Cytogenetic location: 15q21.2.
Variant type: single nucleotide variant.
Coding change: c.275G>A on transcript NM_032802.4 (MANE Select); coding-DNA position 275, G replaced by A.
Protein change: p.Trp92Ter; replaces tryptophan 92 with a stop codon.
Molecular consequence: nonsense.
Genome position (GRCh38, 1-based): chr15:50,748,773, C>T on the plus strand (G>A on the coding strand, the complement: SPPL2A is on the minus strand). VCF-style: chr15-50748773-C-T. GRCh37 (hg19) VCF-style: chr15-51040970-C-T.
Other names: short protein forms W92*.
Identifiers: ClinVar variation 2118893 (VCV002118893.5), dbSNP rs2062880337, ClinGen allele CA392414877.